The following is an entry in ClinVar:

ClinVar aggregate classification (germline): Uncertain significance. Review status: criteria provided, multiple submitters, no conflicts (2 of 4 stars). 2 submissions from 2 submitters: Uncertain significance (2). Last evaluated 2025-12-26.

Allele frequency attached by ClinVar (database versions not stated): TOPMed 0.00001; gnomAD 0.00003; ESP Exome Variant Server 0.00008.
gnomAD v4.1: 67 of 1,612,746 alleles (0.0042%); highest among the groups gnomAD compares: Non-Finnish European, 0.0055%; no homozygotes.

Submissions (2):

Labcorp Genetics (formerly Invitae), Labcorp
Classification: Uncertain significance. Last evaluated: 2025-12-26. Review status: criteria provided, single submitter. Criteria: Invitae Variant Classification Sherloc (09022015). Collection method: clinical testing. Allele origin: germline.
Comment: This sequence change replaces valine, which is neutral and non-polar, with leucine, which is neutral and non-polar, at codon 657 of the CARMIL2 protein (p.Val657Leu). This variant is present in population databases (rs200383824, gnomAD 0.008%). This variant has not been reported in the literature in individuals affected with CARMIL2-related conditions. ClinVar contains an entry for this variant (Variation ID: 1902165). Invitae Evidence Modeling of protein sequence and biophysical properties (such as structural, functional, and spatial information, amino acid conservation, physicochemical variation, residue mobility, and thermodynamic stability) indicates that this missense variant is not expected to disrupt CARMIL2 protein function with a negative predictive value of 80%. In summary, the available evidence is currently insufficient to determine the role of this variant in disease. Therefore, it has been classified as a Variant of Uncertain Significance.

Blueprint Genetics
Classification: Uncertain significance. Last evaluated: 2024-10-02. Review status: criteria provided, single submitter. Criteria: ACMG Guidelines, 2015. Collection method: clinical testing. Allele origin: germline.

NM_001013838.3(CARMIL2):c.1969G>T (p.Val657Leu)

Gene: CARMIL2 (capping protein regulator and myosin 1 linker 2; plus strand). Cytogenetic location: 16q22.1.
Variant type: single nucleotide variant.
Coding change: c.1969G>T on transcript NM_001013838.3 (MANE Select); coding-DNA position 1969, G replaced by T.
Protein change: p.Val657Leu; replaces valine 657 with leucine.
Molecular consequence: missense variant.
Genome position (GRCh38, 1-based): chr16:67,649,855, G>T. VCF-style: chr16-67649855-G-T. GRCh37 (hg19) VCF-style: chr16-67683758-G-T.
Other names: c.1861G>T, p.Val621Leu (NM_001317026.3); short protein forms V657L, V621L.
Identifiers: ClinVar variation 1902165 (VCV001902165.4), dbSNP rs200383824, ClinGen allele CA8113629.
Genomic context (GRCh38, chr16:67,649,855, plus strand): 5'-GCCCGGCCCAGGTCTGTGGTCTGGGACCGGAACCACACATCTGCTTTGGGTCTGCTGGAC[G>T]TGGCGCAGGCGCTGGAGCAGAACCACAGCCTGAAGGCCATGCCTCTGCCACTGAACGACG-3'
Protein context (NP_001013860.1, residues 647-667): NHTSALGLLD[Val657Leu]AQALEQNHSL